The following is an entry in ClinVar:

ClinVar aggregate classification (germline): Conflicting classifications of pathogenicity. Review status: criteria provided, conflicting classifications (1 of 4 stars). 2 submissions from 2 submitters: Uncertain significance (1); Likely benign (1). Last evaluated 2025-09-03.

Conditions:
Inborn genetic diseases. Identifiers: MedGen C0950123, MeSH D030342.

gnomAD v4.1: 153 of 1,589,518 alleles (0.0096%); highest among the groups gnomAD compares: Non-Finnish European, 0.012%; no homozygotes.

Submissions (2):

Labcorp Genetics (formerly Invitae), Labcorp
Classification: Uncertain significance. Last evaluated: 2025-09-03. Review status: criteria provided, single submitter. Criteria: Invitae Variant Classification Sherloc (09022015). Collection method: clinical testing. Allele origin: germline.
Comment: This sequence change replaces arginine, which is basic and polar, with cysteine, which is neutral and slightly polar, at codon 1201 of the SIN3A protein (p.Arg1201Cys). This variant is present in population databases (rs747451113, gnomAD 0.004%). This variant has not been reported in the literature in individuals affected with SIN3A-related conditions. ClinVar contains an entry for this variant (Variation ID: 3606247). Invitae Evidence Modeling of protein sequence and biophysical properties (such as structural, functional, and spatial information, amino acid conservation, physicochemical variation, residue mobility, and thermodynamic stability) indicates that this missense variant is not expected to disrupt SIN3A protein function with a negative predictive value of 80%. In summary, the available evidence is currently insufficient to determine the role of this variant in disease. Therefore, it has been classified as a Variant of Uncertain Significance.

Ambry Genetics
Classification: Likely benign for Inborn genetic diseases. Last evaluated: 2025-05-13. Review status: criteria provided, single submitter. Criteria: Ambry Variant Classification Scheme 2023. Collection method: clinical testing. Allele origin: germline.

NM_001145358.2(SIN3A):c.3601C>T (p.Arg1201Cys)

Gene: SIN3A (SIN3 transcription regulator family member A; minus strand). Cytogenetic location: 15q24.2.
Variant type: single nucleotide variant.
Coding change: c.3601C>T on transcript NM_001145358.2 (MANE Select); coding-DNA position 3601, C replaced by T.
Protein change: p.Arg1201Cys; replaces arginine 1201 with cysteine.
Molecular consequence: missense variant.
Genome position (GRCh38, 1-based): chr15:75,372,200, G>A on the plus strand (C>T on the coding strand, the complement: SIN3A is on the minus strand). VCF-style: chr15-75372200-G-A. GRCh37 (hg19) VCF-style: chr15-75664541-G-A.
Other names: c.3601C>T (NM_001145358.1); c.3601C>T, p.Arg1201Cys (NM_001145357.2, NM_015477.3); short protein forms R1201C.
Identifiers: ClinVar variation 3606247 (VCV003606247.3).